The following is an entry in ClinVar:

ClinVar aggregate classification (germline): Likely pathogenic (1 of 4 stars; one submission).

Conditions:
Mucopolysaccharidosis, MPS-III-A (MPS3A). Also called: Mucopolysaccharidosis, type IIIA; mucopolysaccharidosis type 3A; MPS IIIA (Sanfilippo Syndrome Type A); HEPARAN SULFATE SULFATASE DEFICIENCY; SANFILIPPO SYNDROME A; SULFAMIDASE DEFICIENCY. Identifiers: Orphanet 581, Orphanet 79269, MedGen C0086647, MONDO:0009655, OMIM 252900.

Submission:

Natera, Inc.
Classification: Likely pathogenic for Mucopolysaccharidosis type IIIA. Last evaluated: 2025-08-08. Review status: criteria provided, single submitter. Criteria: Natera Variant Classification Schema (03/2026). Collection method: clinical testing. Allele origin: germline.
Comment: The c.1040_1041insT variant in SGSH is a frameshift variant predicted to shift the reading frame beginning at codon 348 and leads to a stop codon 154 codons downstream. This variant is expected to result in nonsense mediated decay, truncation, or a dysfunctional protein product. This variant is rare in the general population with a frequency below the threshold expected for the associated phenotype(s). This variant has been observed in one or more individuals affected with the associated recessive disease, as either homozygous or compound heterozygous with a second variant (PMID: 10727844). Functional studies show that this variant may disrupt protein function (PMID: 10727844). Given the available evidence, this variant is classified as Likely Pathogenic.

Literature cited by the submitters: PubMed 10727844.

NM_000199.5(SGSH):c.1040_1041insT (p.Leu348fs)

Gene: SGSH (N-sulfoglucosamine sulfohydrolase; minus strand). Cytogenetic location: 17q25.3.
Variant type: Insertion.
Coding change: c.1040_1041insT on transcript NM_000199.5 (MANE Select); coding-DNA positions 1040 to 1041, T inserted.
Protein change: p.Leu348fs; shifts the reading frame from leucine 348.
Molecular consequence: frameshift variant. On other transcripts: 3 prime UTR variant (2), non-coding transcript variant (1).
Genome position: GRCh38 VCF-style: chr17-80210920-G-GA. GRCh37 (hg19) VCF-style: chr17-78184719-G-GA.
Other names: c.*127_*128insT (NM_001352921.3); c.*90_*91insT (NM_001352922.2); short protein forms L348fs.
Identifiers: ClinVar variation 4817901 (VCV004817901.1).